The following is an entry in ClinVar:

NM_015450.3(POT1):c.1006A>T (p.Ile336Leu)

Gene: POT1 (protection of telomeres 1; minus strand). Cytogenetic location: 7q31.33.
Variant type: single nucleotide variant.
Coding change: c.1006A>T on transcript NM_015450.3 (MANE Select); coding-DNA position 1006, A replaced by T.
Protein change: p.Ile336Leu; replaces isoleucine 336 with leucine.
Molecular consequence: missense variant. On other transcripts: non-coding transcript variant (3).
Genome position (GRCh38, 1-based): chr7:124,846,942, T>A on the plus strand (A>T on the coding strand, the complement: POT1 is on the minus strand). VCF-style: chr7-124846942-T-A. GRCh37 (hg19) VCF-style: chr7-124486996-T-A.
Other names: c.1006A>T (NM_015450.2); c.613A>T, p.Ile205Leu (NM_001042594.2); short protein forms I336L, I205L.
Identifiers: ClinVar variation 1046741 (VCV001046741.10), dbSNP rs1795183721, ClinGen allele CA369053660.
Genomic context (GRCh38, chr7:124,846,942, plus strand): 5'-AGAGGCAGACTTTATTATGCTCATTACTGTGCCCATCTCAAAAATGATACATAGTCTTAC[T>A]TGTAGCAGATAGCTGTTGACATCTTTCTACCTCGTATAATGATACTGATCCAGAGCCTAT-3'
Protein context (NP_056265.2, residues 326-346): VERCQQLSAT[Ile336Leu]LTDHQYLERT

ClinVar aggregate classification (germline): Uncertain significance. Review status: criteria provided, multiple submitters, no conflicts (2 of 4 stars). 2 submissions from 2 submitters: Uncertain significance (2). Last evaluated 2025-09-12.

Conditions:
Tumor predisposition syndrome 3 (TPDS3). Also called: Melanoma, cutaneous malignant, susceptibility to, 10; Glioma susceptibility 9; LONG TELOMERE SYNDROME, POT1-RELATED; POT1 Tumor Predisposition. Identifiers: Orphanet 618, MedGen C4014476, MONDO:0014368, OMIM 615848.
Hereditary cancer-predisposing syndrome. Also called: Neoplastic Syndromes, Hereditary; Hereditary Cancer Syndrome; Hereditary neoplastic syndrome; Tumor predisposition. Identifiers: Orphanet 140162, MedGen C0027672, MeSH D009386, MONDO:0015356.

Submissions (2):

Ambry Genetics
Classification: Uncertain significance for Hereditary cancer-predisposing syndrome. Last evaluated: 2025-09-12. Review status: criteria provided, single submitter. Criteria: Ambry Variant Classification Scheme 2023. Collection method: clinical testing. Allele origin: germline.
Comment: The c.1006A>T variant (also known as p.I336L), located in coding exon 8 of the POT1 gene, results from an A to T substitution at nucleotide position 1006. The amino acid change results in isoleucine to leucine at codon 336, an amino acid with highly similar properties. However, this change occurs in the last base pair of coding exon 8, which makes it likely to have some effect on normal mRNA splicing. This nucleotide position is not well conserved in available vertebrate species. This amino acid position is not well conserved in available vertebrate species. In silico splice site analysis predicts that this alteration may weaken the native splice donor site. In addition, this alteration is predicted to be tolerated by in silico analysis. Based on the available evidence, the clinical significance of this variant remains unclear.

Labcorp Genetics (formerly Invitae), Labcorp
Classification: Uncertain significance for Tumor predisposition syndrome 3. Last evaluated: 2024-11-18. Review status: criteria provided, single submitter. Criteria: Invitae Variant Classification Sherloc (09022015). Collection method: clinical testing. Allele origin: germline.
Comment: This sequence change replaces isoleucine, which is neutral and non-polar, with leucine, which is neutral and non-polar, at codon 336 of the POT1 protein (p.Ile336Leu). This variant is not present in population databases (gnomAD no frequency). This variant has not been reported in the literature in individuals affected with POT1-related conditions. ClinVar contains an entry for this variant (Variation ID: 1046741). An algorithm developed to predict the effect of missense changes on protein structure and function (PolyPhen-2) suggests that this variant is likely to be tolerated. Studies have shown that this missense change is associated with inconclusive levels of altered splicing (internal data). In summary, the available evidence is currently insufficient to determine the role of this variant in disease. Therefore, it has been classified as a Variant of Uncertain Significance.